The following is an entry in ClinVar:

NM_053025.4(MYLK):c.4874del (p.Pro1625fs)

Gene: MYLK (myosin light chain kinase; minus strand). Cytogenetic location: 3q21.1.
Variant type: Deletion.
Coding change: c.4874del on transcript NM_053025.4 (MANE Select); coding-DNA position 4874, one base deleted (C; older notation c.4874delC).
Protein change: p.Pro1625fs; shifts the reading frame from proline 1625.
Molecular consequence: frameshift variant.
Genome position (GRCh38, 1-based): chr3:123,638,158, G deleted on the plus strand (C on the coding strand, the reverse complement: MYLK is on the minus strand); the first of 4 consecutive G bases (chr3:123,638,158-123,638,161); deleting any one gives the same sequence. VCF-style (leftmost placement, unchanged base first): chr3-123638157-TG-T. GRCh37 (hg19) VCF-style: chr3-123357004-TG-T.
Other names: c.4874del, p.Pro1625fs (NM_053027.4); c.4667del, p.Pro1556fs (NM_053028.4, NM_053026.4); c.4346del, p.Pro1449fs (NM_001321309.2); short protein forms P1556fs, P1449fs, P1625fs.
Identifiers: ClinVar variation 3664949 (VCV003664949.2).
Genomic context (GRCh38, chr3:123,638,157, plus strand): 5'-CCACATGTCTGTGGCGTAGCCGATGGGCTCATAGTTGATCACTTCAGGAGCCACAAATTC[TG>T]GGGTGCCAAAGAGGACCTTCAGAGACCCCGCATTCTCTGAAACCAGGATGGAGAGGGATA-3'

ClinVar aggregate classification (germline): Pathogenic (1 of 4 stars; one submission).

Conditions:
Aortic aneurysm, familial thoracic 7 (AAT7). Also called: AORTIC DISSECTION, FAMILIAL, WITH OR WITHOUT AORTIC ANEURYSM. Identifiers: MedGen C3151077, MONDO:0013418, OMIM 613780.

Submission:

Labcorp Genetics (formerly Invitae), Labcorp
Classification: Pathogenic for Aortic aneurysm, familial thoracic 7. Last evaluated: 2024-09-06. Review status: criteria provided, single submitter. Criteria: Invitae Variant Classification Sherloc (09022015). Collection method: clinical testing. Allele origin: germline.
Comment: This sequence change creates a premature translational stop signal (p.Pro1625Glnfs*8) in the MYLK gene. It is expected to result in an absent or disrupted protein product. Loss-of-function variants in MYLK are known to be pathogenic (PMID: 21055718, 28602422). This variant is not present in population databases (gnomAD no frequency). This variant has not been reported in the literature in individuals affected with MYLK-related conditions. For these reasons, this variant has been classified as Pathogenic.

Literature cited by the submitters: PubMed 21055718; PubMed 28602422.